The following is an entry in ClinVar:

ClinVar aggregate classification (germline): Uncertain significance (1 of 4 stars; one submission).

Allele frequency attached by ClinVar (database versions not stated): ESP Exome Variant Server 0.00008; TOPMed 0.00012; gnomAD 0.00017 and 0.00018; gnomAD exomes 0.00019 and 0.00026; ExAC 0.00020.
gnomAD v4.1: 393 of 1,610,744 alleles (0.024%); highest among the groups gnomAD compares: Non-Finnish European, 0.031%; no homozygotes.

Submission:

Labcorp Genetics (formerly Invitae), Labcorp
Classification: Uncertain significance. Last evaluated: 2026-01-27. Review status: criteria provided, single submitter. Criteria: Invitae Variant Classification Sherloc (09022015). Collection method: clinical testing. Allele origin: germline.
Comment: This sequence change replaces valine, which is neutral and non-polar, with isoleucine, which is neutral and non-polar, at codon 215 of the TNFRSF6B protein (p.Val215Ile). This variant is present in population databases (rs201139619, gnomAD 0.04%). This variant has not been reported in the literature in individuals affected with TNFRSF6B-related conditions. ClinVar contains an entry for this variant (Variation ID: 1432300). An algorithm developed to predict the effect of missense changes on protein structure and function outputs the following: PolyPhen-2: "Benign". The isoleucine amino acid residue is found in multiple mammalian species, which suggests that this missense change does not adversely affect protein function. In summary, the available evidence is currently insufficient to determine the role of this variant in disease. Therefore, it has been classified as a Variant of Uncertain Significance.

NM_003823.4(TNFRSF6B):c.643G>A (p.Val215Ile)

Genes: RTEL1-TNFRSF6B (RTEL1-TNFRSF6B readthrough (NMD candidate); plus strand), TNFRSF6B (TNF receptor superfamily member 6b; plus strand). Cytogenetic location: 20q13.33.
Variant type: single nucleotide variant.
Coding change: c.643G>A on transcript NM_003823.4 (MANE Select); coding-DNA position 643, G replaced by A.
Protein change: p.Val215Ile; replaces valine 215 with isoleucine.
Molecular consequence: missense variant. On other transcripts: non-coding transcript variant (1).
Genome position (GRCh38, 1-based): chr20:63,698,303, G>A. VCF-style: chr20-63698303-G-A. GRCh37 (hg19) VCF-style: chr20-62329656-G-A.
Other names: short protein forms V215I.
Identifiers: ClinVar variation 1432300 (VCV001432300.6), dbSNP rs201139619, ClinGen allele CA9966545.